The following is an entry in ClinVar:

NM_032977.4(CASP10):c.389_393delinsC (p.Asn130fs)

Gene: CASP10 (caspase 10; plus strand). Cytogenetic location: 2q33.1.
Variant type: Indel.
Coding change: c.389_393delinsC on transcript NM_032977.4 (MANE Select); coding-DNA positions 389 to 393, ACTTA replaced by C.
Protein change: p.Asn130fs; shifts the reading frame from asparagine 130.
Molecular consequence: frameshift variant.
Genome position (GRCh38, 1-based): chr2:201,187,747-201,187,751, ACTTA replaced by C. VCF-style: chr2-201187747-ACTTA-C. GRCh37 (hg19) VCF-style: chr2-202052470-ACTTA-C.
Other names: c.389_393delinsC, p.Asn130fs (NM_001206524.2, NM_001206542.2, NM_001230.5 and 3 more transcripts); short protein forms N130fs.
Identifiers: ClinVar variation 968381 (VCV000968381.8), dbSNP rs1944464774, ClinGen allele CA1139657612.

ClinVar aggregate classification (germline): Uncertain significance (1 of 4 stars; one submission).

Conditions:
Autoimmune lymphoproliferative syndrome type 2A (ALPS2A). Also called: CASP10-Related Autoimmune Lymphoproliferative Syndrome; AUTOIMMUNE LYMPHOPROLIFERATIVE SYNDROME, TYPE IIA; Autoimmune lymphoproliferative syndrome type 2. Identifiers: Orphanet 3261, MedGen C1858968, MONDO:0011383, OMIM 603909.

Submission:

Labcorp Genetics (formerly Invitae), Labcorp
Classification: Uncertain significance for Autoimmune lymphoproliferative syndrome type 2A. Last evaluated: 2025-01-27. Review status: criteria provided, single submitter. Criteria: Invitae Variant Classification Sherloc (09022015). Collection method: clinical testing. Allele origin: germline.
Comment: This sequence change creates a premature translational stop signal (p.Asn130Thrfs*4) in the CASP10 gene. It is expected to result in an absent or disrupted protein product. However, the current clinical and genetic evidence is not sufficient to establish whether loss-of-function variants in CASP10 cause disease. This variant is not present in population databases (gnomAD no frequency). This variant has not been reported in the literature in individuals affected with CASP10-related conditions. Algorithms developed to predict the effect of sequence changes on RNA splicing suggest that this variant may disrupt the consensus splice site. In summary, the available evidence is currently insufficient to determine the role of this variant in disease. Therefore, it has been classified as a Variant of Uncertain Significance.